The following is an entry in ClinVar:

ClinVar aggregate classification (germline): Uncertain significance (1 of 4 stars; one submission).

Conditions:
Hypertrophic cardiomyopathy 14. Identifiers: MedGen C2750467, MONDO:0013197, OMIM 613251.

Submission:

Labcorp Genetics (formerly Invitae), Labcorp
Classification: Uncertain significance for Hypertrophic cardiomyopathy 14. Last evaluated: 2022-09-14. Review status: criteria provided, single submitter. Criteria: Invitae Variant Classification Sherloc (09022015). Collection method: clinical testing. Allele origin: germline.
Comment: In summary, the available evidence is currently insufficient to determine the role of this variant in disease. Therefore, it has been classified as a Variant of Uncertain Significance. This sequence change replaces alanine, which is neutral and non-polar, with glycine, which is neutral and non-polar, at codon 1588 of the MYH6 protein (p.Ala1588Gly). This variant is not present in population databases (gnomAD no frequency). This variant has not been reported in the literature in individuals affected with MYH6-related conditions. Advanced modeling of protein sequence and biophysical properties (such as structural, functional, and spatial information, amino acid conservation, physicochemical variation, residue mobility, and thermodynamic stability) performed at Invitae indicates that this missense variant is not expected to disrupt MYH6 protein function.

NM_002471.4(MYH6):c.4763C>G (p.Ala1588Gly)

Genes: MYH6 (myosin heavy chain 6; minus strand), LOC126861896 (BRD4-independent group 4 enhancer GRCh37_chr14:23854904-23856103; plus strand). Cytogenetic location: 14q11.2.
Variant type: single nucleotide variant.
Coding change: c.4763C>G on transcript NM_002471.4 (MANE Select); coding-DNA position 4763, C replaced by G.
Protein change: p.Ala1588Gly; replaces alanine 1588 with glycine.
Molecular consequence: missense variant.
Genome position (GRCh38, 1-based): chr14:23,386,511, G>C on the plus strand (C>G on the coding strand, the complement: MYH6 is on the minus strand). VCF-style: chr14-23386511-G-C. GRCh37 (hg19) VCF-style: chr14-23855720-G-C.
Other names: short protein forms A1588G.
Identifiers: ClinVar variation 1719315 (VCV001719315.6), dbSNP rs752070605, ClinGen allele CA388992290.